The following is an entry in ClinVar:

ClinVar aggregate classification (germline): Uncertain significance (1 of 4 stars; one submission).

Conditions:
Diamond-Blackfan anemia 8 (DBA8). Also called: RPS7-Related Diamond-Blackfan Anemia. Identifiers: Orphanet 124, MedGen C2675511, MONDO:0012939, OMIM 612563.

Allele frequency attached by ClinVar (database versions not stated): gnomAD exomes 0.00001; ExAC 0.00002; TOPMed 0.00002.

Submission:

Labcorp Genetics (formerly Invitae), Labcorp
Classification: Uncertain significance for Diamond-Blackfan anemia 8. Last evaluated: 2024-06-17. Review status: criteria provided, single submitter. Criteria: Invitae Variant Classification Sherloc (09022015). Collection method: clinical testing. Allele origin: germline.
Comment: This sequence change replaces arginine, which is basic and polar, with cysteine, which is neutral and slightly polar, at codon 145 of the RPS7 protein (p.Arg145Cys). This variant is present in population databases (rs200400906, gnomAD 0.006%). This variant has not been reported in the literature in individuals affected with RPS7-related conditions. ClinVar contains an entry for this variant (Variation ID: 577746). An algorithm developed to predict the effect of missense changes on protein structure and function (PolyPhen-2) suggests that this variant is likely to be tolerated. In summary, the available evidence is currently insufficient to determine the role of this variant in disease. Therefore, it has been classified as a Variant of Uncertain Significance.

NM_001011.4(RPS7):c.433C>T (p.Arg145Cys)

Gene: RPS7 (ribosomal protein S7; plus strand). Cytogenetic location: 2p25.3.
Variant type: single nucleotide variant.
Coding change: c.433C>T on transcript NM_001011.4 (MANE Select); coding-DNA position 433, C replaced by T.
Protein change: p.Arg145Cys; replaces arginine 145 with cysteine.
Molecular consequence: missense variant.
Genome position (GRCh38, 1-based): chr2:3,580,186, C>T. VCF-style: chr2-3580186-C-T. GRCh37 (hg19) VCF-style: chr2-3627776-C-T.
Other names: c.433C>T, p.Arg145Cys (LRG_1148t1); short protein forms R145C.
Identifiers: ClinVar variation 577746 (VCV000577746.8), dbSNP rs200400906, ClinGen allele CA1516691.